The following is an entry in ClinVar:

ClinVar aggregate classification (germline): Pathogenic/Likely pathogenic. Review status: criteria provided, multiple submitters, no conflicts (2 of 4 stars). 17 submissions from 17 submitters: Pathogenic (7); Likely pathogenic (2). 8 of the submissions do not count toward it. Last evaluated 2026-09-17.

Conditions:
ARSA-related disorder. Also called: ARSA-related condition.
Metachromatic leukodystrophy (MLD). Also called: METACHROMATIC LEUKOENCEPHALOPATHY; Arylsulfatase A Deficiency; ARSA DEFICIENCY; CEREBROSIDE SULFATASE DEFICIENCY; SULFATIDE LIPIDOSIS; Cerebral sclerosis diffuse metachromatic form. Identifiers: Orphanet 512, MedGen C0023522, MONDO:0018868, OMIM 250100.
Metachromatic leukodystrophy, late infantile form. Also called: Metachromatic leukodystrophy, late infantile. Identifiers: Orphanet 309256, MedGen C0751278, MONDO:0017729.

Allele frequency attached by ClinVar (database versions not stated): ExAC 0.00002; gnomAD 0.00004 and 0.00003; gnomAD exomes 0.00004 and 0.00003; TOPMed 0.00003.
gnomAD v4.1: 62 of 1,594,964 alleles (0.0039%); highest among the groups gnomAD compares: Non-Finnish European, 0.005%; no homozygotes.

Submissions (18):

Laboratory of Experimental Gene Therapy of Hereditary Metabolic Diseases, Research Centre for Medical Genetics
Classification: Likely pathogenic for Metachromatic leukodystrophy. Last evaluated: 2026-09-17. Review status: criteria provided, single submitter. Criteria: ARSA MLD Assertion Criteria V2 2026 09 18. Collection method: clinical testing. Allele origin: germline. Inheritance: Autosomal recessive inheritance. Affected: yes. Observed: 1 variant allele, 1 compound heterozygote.
Comment: The previously reported Likely pathogenic classification was reviewed and retained for the accompanying study. External ClinVar record reviewed: VCV000003054.49. Observations from the present referral series were not used to establish pathogenicity.

Labcorp Genetics (formerly Invitae), Labcorp
Classification: Pathogenic for Metachromatic leukodystrophy. Last evaluated: 2026-01-16. Review status: criteria provided, single submitter. Criteria: Invitae Variant Classification Sherloc (09022015). Collection method: clinical testing. Allele origin: germline.
Comment: This sequence change replaces serine, which is neutral and polar, with phenylalanine, which is neutral and non-polar, at codon 98 of the ARSA protein (p.Ser98Phe). This variant is present in population databases (rs74315456, gnomAD 0.007%). This missense change has been observed in individual(s) with metachromatic leukodystrophy (PMID: 1678251, 12809637, 22993277, 23701968). This variant is also known as c.287C>T, p.Ser96Phe. ClinVar contains an entry for this variant (Variation ID: 3054). Invitae Evidence Modeling of protein sequence and biophysical properties (such as structural, functional, and spatial information, amino acid conservation, physicochemical variation, residue mobility, and thermodynamic stability) indicates that this missense variant is expected to disrupt ARSA protein function with a positive predictive value of 95%. Experimental studies have shown that this missense change affects ARSA function (PMID: 1678251). For these reasons, this variant has been classified as Pathogenic.

Natera, Inc.
Classification: Pathogenic for Metachromatic leukodystrophy. Last evaluated: 2025-10-19. Review status: criteria provided, single submitter. Criteria: Natera Variant Classification Schema (03/2026). Collection method: clinical testing. Allele origin: germline.
Comment: The c.293C>T variant in ARSA is a missense variant predicted to cause substitution of serine to phenylalanine at amino acid 98. This variant is rare in the general population with a frequency below the threshold expected for the associated phenotype(s). This variant has been observed in one or more individuals affected with the associated recessive disease, as either homozygous or compound heterozygous with a second variant (PMID: 22993277, 27261095, 23701968, 12809637). Computational prediction algorithms indicate this variant is likely to affect gene or protein function. Given the available evidence, this variant is classified as Pathogenic.

GeneDx
Classification: Pathogenic. Last evaluated: 2025-10-17. Review status: criteria provided, single submitter. Criteria: GeneDx Variant Classification Process June 2021. Collection method: clinical testing. Allele origin: germline. Affected: yes.
Comment: Published functional studies demonstrate loss of enzyme activity (PMID: 1678251); Not observed at significant frequency in large population cohorts (gnomAD); In silico analysis supports that this missense variant has a deleterious effect on protein structure/function; This variant is associated with the following publications: (PMID: 16546179, 7649558, 12809637, 1678251, 31967741, 32632536)

Blueprint Genetics
Classification: Pathogenic for ARSA-related disorders. Last evaluated: 2024-05-03. Review status: criteria provided, single submitter. Criteria: ACMG Guidelines, 2015. Collection method: clinical testing. Allele origin: germline. Affected: yes. Observed: 2 variant alleles.

Fulgent Genetics
Classification: Likely pathogenic for Metachromatic leukodystrophy. Last evaluated: 2022-04-21. Review status: criteria provided, single submitter. Criteria: ACMG Guidelines, 2015. Collection method: clinical testing. Allele origin: unknown.

Women's Health and Genetics/Laboratory Corporation of America, LabCorp
Classification: Pathogenic for Metachromatic leukodystrophy. Last evaluated: 2021-08-05. Review status: criteria provided, single submitter. Criteria: LabCorp Variant Classification Summary - May 2015. Collection method: clinical testing. Allele origin: germline.
Comment: Variant summary: ARSA c.293C>T (p.Ser98Phe) results in a non-conservative amino acid change in the encoded protein sequence. Five of five in-silico tools predict a damaging effect of the variant on protein function. The variant allele was found at a frequency of 3.4e-05 in 208510 control chromosomes. c.293C>T has been reported in the literature in multiple individuals affected with Metachromatic Leukodystrophy (example, Gieselmann_1991, Rafi_2003, van Rappard_2016, Beerepoot_2020). These data indicate that the variant is very likely to be associated with disease. At least one publication reports experimental evidence evaluating an impact on protein function. The most pronounced variant effect results in <10% of normal activity in-vitro (example, Gieselmann_1991). One clinical diagnostic laboratory has submitted clinical-significance assessments for this variant to ClinVar after 2014 without evidence for independent evaluation and classified the variant as pathogenic. Based on the evidence outlined above, the variant was classified as pathogenic.

CeGaT Center for Human Genetics Tuebingen
Classification: Pathogenic. Last evaluated: 2017-08-01. Review status: criteria provided, single submitter. Criteria: CeGaT Center For Human Genetics Tuebingen Variant Classification Criteria Version 2. Collection method: clinical testing. Allele origin: germline. Affected: yes. Observed: 1 variant allele.

Eurofins Ntd Llc (ga)
Classification: Pathogenic. Last evaluated: 2013-05-08. Review status: criteria provided, single submitter. Criteria: EGL Classification Definitions 2015. Collection method: clinical testing. Allele origin: germline. Observed: 2 variant alleles, 1 heterozygote, 1 homozygote.

Counsyl
Classification: Likely pathogenic for Metachromatic leukodystrophy. Last evaluated: 2014-12-09. Review status: no assertion criteria provided. Collection method: literature only. Allele origin: unknown. Inheritance: Autosomal recessive inheritance. Not counted in ClinVar's aggregate classification.

OMIM
Classification: Pathogenic for METACHROMATIC LEUKODYSTROPHY, LATE INFANTILE. Last evaluated: 1989-12-01. Review status: no assertion criteria provided. Collection method: literature only. Allele origin: germline. Not counted in ClinVar's aggregate classification.

Clinical Genetics, Academic Medical Center
Classification: Likely pathogenic. Review status: no assertion criteria provided. Collection method: clinical testing. Allele origin: germline. Affected: yes. Study: VKGL Data-share Consensus. Not counted in ClinVar's aggregate classification.

Diagnostic Laboratory, Department of Genetics, University Medical Center Groningen
Classification: Pathogenic. Review status: no assertion criteria provided. Collection method: clinical testing. Allele origin: germline. Affected: yes. Study: VKGL Data-share Consensus. Not counted in ClinVar's aggregate classification.

Gelb Laboratory, University of Washington
No classification provided (evidence only). Condition: Metachromatic leukodystrophy. Review status: no classification provided. Collection method: in vitro. Allele origin: not applicable. Functional consequence: loss of function. Not counted in ClinVar's aggregate classification.

GeneReviews
No classification provided. Condition: Metachromatic leukodystrophy. Review status: no classification provided. Collection method: literature only. Allele origin: germline. Not counted in ClinVar's aggregate classification.

Genome Diagnostics Laboratory, Amsterdam University Medical Center
Classification: Likely pathogenic. Review status: no assertion criteria provided. Collection method: clinical testing. Allele origin: germline. Affected: yes. Study: VKGL Data-share Consensus. Not counted in ClinVar's aggregate classification.

Genome Diagnostics Laboratory, University Medical Center Utrecht
Classification: Pathogenic. Review status: no assertion criteria provided. Collection method: clinical testing. Allele origin: germline. Affected: yes. Study: VKGL Data-share Consensus. Not counted in ClinVar's aggregate classification.

Joint Genome Diagnostic Labs from Nijmegen and Maastricht, Radboudumc and MUMC+
Classification: Likely pathogenic. Review status: no assertion criteria provided. Collection method: clinical testing. Allele origin: germline. Affected: yes. Study: VKGL Data-share Consensus. Not counted in ClinVar's aggregate classification.

Literature cited by the submitters: PubMed 1678251 (cited by 3 submitters); PubMed 12809637 (cited by 4 submitters); PubMed 22993277 (cited by 3 submitters); PubMed 23701968 (cited by 3 submitters); PubMed 27261095 (cited by Natera, Inc. and Women's Health and Genetics/Laboratory Corporation of America, LabCorp); PubMed 32632536 (cited by Women's Health and Genetics/Laboratory Corporation of America, LabCorp); PubMed 16546179 (cited by Counsyl); PubMed 7649558 (cited by Counsyl); PubMed 2574462 (cited by OMIM); NCBI Bookshelf NBK1130 (cited by GeneReviews).

NM_000487.6(ARSA):c.293C>T (p.Ser98Phe)

Gene: ARSA (arylsulfatase A; minus strand). Cytogenetic location: 22q13.33.
Variant type: single nucleotide variant.
Coding change: c.293C>T on transcript NM_000487.6 (MANE Select); coding-DNA position 293, C replaced by T.
Protein change: p.Ser98Phe; replaces serine 98 with phenylalanine.
Molecular consequence: missense variant.
Genome position (GRCh38, 1-based): chr22:50,627,338, G>A on the plus strand (C>T on the coding strand, the complement: ARSA is on the minus strand). VCF-style: chr22-50627338-G-A. GRCh37 (hg19) VCF-style: chr22-51065766-G-A.
Other names: S96F; NP_000478.3:p.(Ser98Phe); c.293C>T, p.Ser98Phe (NM_001085425.3, NM_001085426.3, NM_001085427.3); c.35C>T, p.Ser12Phe (NM_001085428.3, NM_001362782.2); short protein forms S98F.
Identifiers: ClinVar variation 3054 (VCV000003054.53), dbSNP rs74315456, ClinGen allele CA115960.